The following is an entry in ClinVar:

ClinVar aggregate classification (germline): Uncertain significance (1 of 4 stars; one submission).

Conditions:
Cerebral folate transport deficiency. Also called: NEURODEGENERATION DUE TO CEREBRAL FOLATE TRANSPORT DEFICIENCY; FOLATE RECEPTOR DEFICIENCY; Cerebral folate deficiency syndrome; Neurodegenerative syndrome due to cerebral folate transport deficiency; FOLR1-Related Cerebral Folate Transport Deficiency. Identifiers: Orphanet 217382, MedGen C2751584, MONDO:0013110, OMIM 613068. Disease mechanism: loss of function.

gnomAD v4.1: 1 of 1,614,212 alleles (0.000062%); highest among the groups gnomAD compares: South Asian, 0.0011%; no homozygotes.

Submission:

Labcorp Genetics (formerly Invitae), Labcorp
Classification: Uncertain significance for Cerebral folate transport deficiency. Last evaluated: 2019-10-20. Review status: criteria provided, single submitter. Criteria: Invitae Variant Classification Sherloc (09022015). Collection method: clinical testing. Allele origin: germline.
Comment: This variant has not been reported in the literature in individuals with FOLR1-related conditions. This variant is not present in population databases (ExAC no frequency). This sequence change replaces alanine with serine at codon 170 of the FOLR1 protein (p.Ala170Ser). The alanine residue is weakly conserved and there is a moderate physicochemical difference between alanine and serine. Algorithms developed to predict the effect of missense changes on protein structure and function are either unavailable or do not agree on the potential impact of this missense change (SIFT: "Deleterious"; PolyPhen-2: "Benign"; Align-GVGD: "Class C0"). In summary, the available evidence is currently insufficient to determine the role of this variant in disease. Therefore, it has been classified as a Variant of Uncertain Significance.

NM_016729.3(FOLR1):c.508G>T (p.Ala170Ser)

Genes: FOLR1-AS1 (FOLR1 antisense RNA 1; minus strand), FOLR1 (folate receptor alpha; plus strand). Cytogenetic location: 11q13.4.
Variant type: single nucleotide variant.
Coding change: c.508G>T on transcript NM_016729.3 (MANE Select); coding-DNA position 508, G replaced by T.
Protein change: p.Ala170Ser; replaces alanine 170 with serine.
Molecular consequence: missense variant.
Genome position (GRCh38, 1-based): chr11:72,195,911, G>T. VCF-style: chr11-72195911-G-T. GRCh37 (hg19) VCF-style: chr11-71906955-G-T.
Other names: c.508G>T, p.Ala170Ser (NM_000802.3, NM_016724.3, NM_016725.3); short protein forms A170S.
Identifiers: ClinVar variation 956917 (VCV000956917.10), dbSNP rs139633601, ClinGen allele CA381734045.